The following is an entry in ClinVar:

ClinVar aggregate classification (germline): Uncertain significance. Review status: criteria provided, multiple submitters, no conflicts (2 of 4 stars). 3 submissions from 3 submitters: Uncertain significance (3). Last evaluated 2025-04-18.

Conditions:
Charcot-Marie-Tooth disease dominant intermediate B (CMTDIB). Also called: CHARCOT-MARIE-TOOTH NEUROPATHY, DOMINANT INTERMEDIATE B; Charcot-Marie-Tooth disease dominant intermediate 1; CMT DI1; Charcot-Marie-Tooth disease dominant intermediate I. Identifiers: Orphanet 100044, Orphanet 228179, MedGen C1847902, MONDO:0011674, OMIM 606482.
Inborn genetic diseases. Identifiers: MedGen C0950123, MeSH D030342.

Allele frequency attached by ClinVar (database versions not stated): gnomAD exomes 0.00001; TOPMed 0.00001; ExAC 0.00002; gnomAD 0.00003.
gnomAD v4.1: 24 of 1,613,988 alleles (0.0015%); highest among the groups gnomAD compares: East Asian, 0.0022%; no homozygotes.

Submissions (3):

Labcorp Genetics (formerly Invitae), Labcorp
Classification: Uncertain significance for Charcot-Marie-Tooth disease dominant intermediate B. Last evaluated: 2025-04-18. Review status: criteria provided, single submitter. Criteria: Invitae Variant Classification Sherloc (09022015). Collection method: clinical testing. Allele origin: germline.
Comment: This sequence change replaces proline, which is neutral and non-polar, with leucine, which is neutral and non-polar, at codon 226 of the DNM2 protein (p.Pro226Leu). This variant is present in population databases (rs779734638, gnomAD 0.008%). This missense change has been observed in individual(s) with DNM2-related conditions (PMID: 37273706). ClinVar contains an entry for this variant (Variation ID: 423594). Invitae Evidence Modeling of protein sequence and biophysical properties (such as structural, functional, and spatial information, amino acid conservation, physicochemical variation, residue mobility, and thermodynamic stability) indicates that this missense variant is expected to disrupt DNM2 protein function with a positive predictive value of 95%. In summary, the available evidence is currently insufficient to determine the role of this variant in disease. Therefore, it has been classified as a Variant of Uncertain Significance.

Ambry Genetics
Classification: Uncertain significance for Inborn genetic diseases. Last evaluated: 2020-12-04. Review status: criteria provided, single submitter. Criteria: Ambry Variant Classification Scheme 2023. Collection method: clinical testing. Allele origin: germline.
Comment: The p.P226L variant (also known as c.677C>T), located in coding exon 5 of the DNM2 gene, results from a C to T substitution at nucleotide position 677. The proline at codon 226 is replaced by leucine, an amino acid with similar properties. This amino acid position is highly conserved in available vertebrate species. In addition, this alteration is predicted to be deleterious by in silico analysis. Since supporting evidence is limited at this time, the clinical significance of this alteration remains unclear.

GeneDx
Classification: Uncertain significance. Last evaluated: 2017-02-21. Review status: criteria provided, single submitter. Criteria: GeneDx Variant Classification (06012015). Collection method: clinical testing. Allele origin: germline. Affected: yes.
Comment: A variant of uncertain significance has been identified in the DNM2 gene. The P226L variant has not been published as a pathogenic variant, nor has it been reported as a benign variant to our knowledge. The P226L variant is not observed at a significant frequency in large population cohorts (Lek et al., 2016; 1000 Genomes Consortium et al., 2015; Exome Variant Server). The P226L variant is a semi-conservative amino acid substitution, which may impact secondary protein structure as these residues differ in some properties. This substitution occurs at a position that is conserved across species, and in silico analysis predicts this variant is probably damaging to the protein structure/function. Based on the currently available information, it is unclear whether this variant is a pathogenic variant or a rare benign variant.

Literature cited by the submitters: PubMed 37273706 (cited by Labcorp Genetics (formerly Invitae), Labcorp).

NM_001005361.3(DNM2):c.677C>T (p.Pro226Leu)

Gene: DNM2 (dynamin 2; plus strand). Cytogenetic location: 19p13.2.
Variant type: single nucleotide variant.
Coding change: c.677C>T on transcript NM_001005361.3 (MANE Select); coding-DNA position 677, C replaced by T.
Protein change: p.Pro226Leu; replaces proline 226 with leucine.
Molecular consequence: missense variant.
Genome position (GRCh38, 1-based): chr19:10,777,205, C>T. VCF-style: chr19-10777205-C-T. GRCh37 (hg19) VCF-style: chr19-10887881-C-T.
Other names: c.677C>T, p.Pro226Leu (NM_001005360.3, NM_001005362.3, NM_001190716.2 and 1 more transcripts); short protein forms P226L.
Identifiers: ClinVar variation 423594 (VCV000423594.9), dbSNP rs779734638, ClinGen allele CA9200855.